The following is an entry in ClinVar:

ClinVar aggregate classification (germline): Pathogenic/Likely pathogenic. Review status: criteria provided, multiple submitters, no conflicts (2 of 4 stars). 2 submissions from 2 submitters: Pathogenic (1); Likely pathogenic (1). Last evaluated 2022-09-19.

Conditions:
Familial adenomatous polyposis 2. Also called: MUTYH Polyposis; COLORECTAL ADENOMATOUS POLYPOSIS, AUTOSOMAL RECESSIVE; ADENOMAS, MULTIPLE COLORECTAL, AUTOSOMAL RECESSIVE; MUTYH-associated polyposis; MYH-associated polyposis; MUTYH-related attenuated familial adenomatous polyposis. Identifiers: Orphanet 220460, Orphanet 247798, MedGen C3272841, MONDO:0012041, OMIM 608456.

Submissions (2):

Baylor Genetics
Classification: Likely pathogenic for Familial adenomatous polyposis 2. Last evaluated: 2022-09-19. Review status: criteria provided, single submitter. Criteria: ACMG Guidelines, 2015. Collection method: clinical testing. Allele origin: unknown.

Labcorp Genetics (formerly Invitae), Labcorp
Classification: Pathogenic for Familial adenomatous polyposis 2. Last evaluated: 2022-04-13. Review status: criteria provided, single submitter. Criteria: Invitae Variant Classification Sherloc (09022015). Collection method: clinical testing. Allele origin: germline.
Comment: For these reasons, this variant has been classified as Pathogenic. This variant has not been reported in the literature in individuals affected with MUTYH-related conditions. This variant is not present in population databases (gnomAD no frequency). This sequence change creates a premature translational stop signal (p.Gln45*) in the MUTYH gene. It is expected to result in an absent or disrupted protein product. Loss-of-function variants in MUTYH are known to be pathogenic (PMID: 18534194, 20663686).

Literature cited by the submitters: PubMed 18534194 (cited by Labcorp Genetics (formerly Invitae), Labcorp); PubMed 20663686 (cited by Labcorp Genetics (formerly Invitae), Labcorp).

NM_001048174.2(MUTYH):c.91C>T (p.Gln31Ter)

Gene: MUTYH (mutY DNA glycosylase; minus strand). Cytogenetic location: 1p34.1.
Variant type: single nucleotide variant.
Coding change: c.91C>T on transcript NM_001048174.2 (MANE Select); coding-DNA position 91, C replaced by T.
Protein change: p.Gln31Ter; replaces glutamine 31 with a stop codon.
Molecular consequence: nonsense. On other transcripts: 5 prime UTR variant (4), non-coding transcript variant (2).
Genome position (GRCh38, 1-based): chr1:45,334,415, G>A on the plus strand (C>T on the coding strand, the complement: MUTYH is on the minus strand). VCF-style: chr1-45334415-G-A. GRCh37 (hg19) VCF-style: chr1-45800087-G-A.
Other names: c.91C>T, p.Gln31Ter (NM_001048171.2, NM_001048172.2, NM_001048173.2 and 15 more transcripts); c.133C>T, p.Gln45Ter (NM_001128425.2, NM_001293190.2, NM_001407069.1 and 2 more transcripts); c.-122C>T (NM_001293192.2, NM_001293196.2, NM_001407091.1); c.-181C>T (NM_001350650.2); c.-117C>T (NM_001350651.2, NM_001407082.1); c.-66C>T (NM_001407075.1); c.109C>T, p.Gln37Ter (NM_001407087.1); short protein forms Q37*, Q31*, Q45*.
Identifiers: ClinVar variation 2125826 (VCV002125826.5), dbSNP rs2524353808, ClinGen allele CA340137008.